The following is an entry in ClinVar:

ClinVar aggregate classification (germline): Uncertain significance. Review status: criteria provided, multiple submitters, no conflicts (2 of 4 stars). 3 submissions from 3 submitters: Uncertain significance (3). Last evaluated 2024-11-18.

Conditions:
Inborn genetic diseases. Identifiers: MedGen C0950123, MeSH D030342.
Peroxisome biogenesis disorder 3A (Zellweger). Also called: PEROXISOMAL BIOGENESIS DISORDER 3A (ZELLWEGER); Peroxisome biogenesis disorder 3A. Identifiers: Orphanet 912, MedGen C3553929, MONDO:0013927, OMIM 614859.

Allele frequency attached by ClinVar (database versions not stated): ExAC 0.00002; gnomAD 0.00002; gnomAD exomes 0.00003.

Submissions (3):

Blueprint Genetics
Classification: Uncertain significance. Last evaluated: 2024-11-18. Review status: criteria provided, single submitter. Criteria: ACMG Guidelines, 2015. Collection method: clinical testing. Allele origin: germline.

Ambry Genetics
Classification: Uncertain significance for Inborn genetic diseases. Last evaluated: 2024-09-10. Review status: criteria provided, single submitter. Criteria: Ambry Variant Classification Scheme 2023. Collection method: clinical testing. Allele origin: germline.

Labcorp Genetics (formerly Invitae), Labcorp
Classification: Uncertain significance for Peroxisome biogenesis disorder 3A (Zellweger). Last evaluated: 2022-09-01. Review status: criteria provided, single submitter. Criteria: Invitae Variant Classification Sherloc (09022015). Collection method: clinical testing. Allele origin: germline.
Comment: This sequence change replaces glutamic acid, which is acidic and polar, with lysine, which is basic and polar, at codon 139 of the PEX12 protein (p.Glu139Lys). This variant is present in population databases (rs769196917, gnomAD 0.04%). This variant has not been reported in the literature in individuals affected with PEX12-related conditions. Algorithms developed to predict the effect of missense changes on protein structure and function are either unavailable or do not agree on the potential impact of this missense change (SIFT: "Tolerated"; PolyPhen-2: "Probably Damaging"; Align-GVGD: "Class C0"). In summary, the available evidence is currently insufficient to determine the role of this variant in disease. Therefore, it has been classified as a Variant of Uncertain Significance.

NM_000286.3(PEX12):c.415G>A (p.Glu139Lys)

Gene: PEX12 (peroxisomal biogenesis factor 12; minus strand). Cytogenetic location: 17q12.
Variant type: single nucleotide variant.
Coding change: c.415G>A on transcript NM_000286.3 (MANE Select); coding-DNA position 415, G replaced by A.
Protein change: p.Glu139Lys; replaces glutamic acid 139 with lysine.
Molecular consequence: missense variant.
Genome position (GRCh38, 1-based): chr17:35,577,303, C>T on the plus strand (G>A on the coding strand, the complement: PEX12 is on the minus strand). VCF-style: chr17-35577303-C-T. GRCh37 (hg19) VCF-style: chr17-33904322-C-T.
Other names: c.415G>A (NM_000286.2); short protein forms E139K.
Identifiers: ClinVar variation 2141054 (VCV002141054.3), dbSNP rs769196917, ClinGen allele CA8504912.